The following is an entry in ClinVar:

NM_030632.3(ASXL3):c.4093A>G (p.Ile1365Val)

Gene: ASXL3 (ASXL transcriptional regulator 3; plus strand). Cytogenetic location: 18q12.1.
Variant type: single nucleotide variant.
Coding change: c.4093A>G on transcript NM_030632.3 (MANE Select); coding-DNA position 4093, A replaced by G.
Protein change: p.Ile1365Val; replaces isoleucine 1365 with valine.
Molecular consequence: missense variant.
Genome position (GRCh38, 1-based): chr18:33,743,941, A>G. VCF-style: chr18-33743941-A-G. GRCh37 (hg19) VCF-style: chr18-31323905-A-G.
Other names: short protein forms I1365V.
Identifiers: ClinVar variation 3392633 (VCV003392633.1).
Genomic context (GRCh38, chr18:33,743,941, plus strand): 5'-TCCATCGGAAACAATTTGCCAAACCTCTCCACTAGCTCTGTCTTGATTCCCCCAATGGGA[A>G]TTAACAACAGATTTCCTTCTGAGAAGATAGCCATACCTGGGAGTGAAGAACAGGCCACTG-3'
Protein context (NP_085135.1, residues 1355-1375): TSSVLIPPMG[Ile1365Val]NNRFPSEKIA

ClinVar aggregate classification (germline): Uncertain significance (1 of 4 stars; one submission).

gnomAD v4.1: 3 of 1,614,036 alleles (0.00019%); highest among the groups gnomAD compares: Admixed American, 0.0017%; no homozygotes.

Submission:

GeneDx
Classification: Uncertain significance. Last evaluated: 2024-06-25. Review status: criteria provided, single submitter. Criteria: GeneDx Variant Classification Process June 2021. Collection method: clinical testing. Allele origin: germline. Affected: yes.
Comment: In silico analysis indicates that this missense variant does not alter protein structure/function; Has not been previously published as pathogenic or benign to our knowledge